The following is an entry in ClinVar:

NM_003036.4(SKI):c.1301C>T (p.Pro434Leu)

Gene: SKI (SKI proto-oncogene; plus strand). Cytogenetic location: 1p36.32.
Variant type: single nucleotide variant.
Coding change: c.1301C>T on transcript NM_003036.4 (MANE Select); coding-DNA position 1301, C replaced by T.
Protein change: p.Pro434Leu; replaces proline 434 with leucine.
Molecular consequence: missense variant.
Genome position (GRCh38, 1-based): chr1:2,303,929, C>T. VCF-style: chr1-2303929-C-T. GRCh37 (hg19) VCF-style: chr1-2235368-C-T.
Other names: p.P434L:CCG>CTG; short protein forms P434L.
Identifiers: ClinVar variation 213694 (VCV000213694.8), dbSNP rs768068601, ClinGen allele CA324649.

ClinVar aggregate classification (germline): Conflicting classifications of pathogenicity. Review status: criteria provided, conflicting classifications (1 of 4 stars). 3 submissions from 3 submitters: Uncertain significance (2); Likely benign (1). Last evaluated 2026-01-12.

Conditions:
Familial thoracic aortic aneurysm and aortic dissection (TAAD). Also called: Thoracic aortic aneurysms and dissections. Identifiers: Orphanet 91387, MedGen C4707243, MONDO:0019625.
Shprintzen-Goldberg syndrome (SGS). Also called: CRANIOSYNOSTOSIS WITH ARACHNODACTYLY AND ABDOMINAL HERNIAS; Marfanoid disorder with craniosynostosis type 1; Marfanoid craniosynostosis syndrome; Shprintzen-Goldberg marfanoid syndrome; SHPRINTZEN-GOLDBERG CRANIOSYNOSTOSIS SYNDROME. Identifiers: Orphanet 2462, MedGen C1321551, MONDO:0008426, OMIM 182212.

Allele frequency attached by ClinVar (database versions not stated): gnomAD exomes 0.00001 and 0.00002; gnomAD 0.00001; ExAC 0.00002; TOPMed 0.00004.
gnomAD v4.1: 26 of 1,611,684 alleles (0.0016%); highest among the groups gnomAD compares: Middle Eastern, 0.033%; no homozygotes.

Submissions (3):

Labcorp Genetics (formerly Invitae), Labcorp
Classification: Likely benign for Shprintzen-Goldberg syndrome. Last evaluated: 2026-01-12. Review status: criteria provided, single submitter. Criteria: Invitae Variant Classification Sherloc (09022015). Collection method: clinical testing. Allele origin: germline.

GeneDx
Classification: Uncertain significance. Last evaluated: 2024-02-22. Review status: criteria provided, single submitter. Criteria: GeneDx Variant Classification Process June 2021. Collection method: clinical testing. Allele origin: germline. Affected: yes.
Comment: In silico analysis supports that this missense variant has a deleterious effect on protein structure/function; Has not been previously published as pathogenic or benign to our knowledge

Ambry Genetics
Classification: Uncertain significance for Familial thoracic aortic aneurysm and aortic dissection. Last evaluated: 2020-11-02. Review status: criteria provided, single submitter. Criteria: Ambry Variant Classification Scheme 2023. Collection method: clinical testing. Allele origin: germline.
Comment: The p.P434L variant (also known as c.1301C>T), located in coding exon 4 of the SKI gene, results from a C to T substitution at nucleotide position 1301. The proline at codon 434 is replaced by leucine, an amino acid with similar properties. This amino acid position is highly conserved in available vertebrate species. In addition, the in silico prediction for this alteration is inconclusive. Since supporting evidence is limited at this time, the clinical significance of this alteration remains unclear.